The following is an entry in ClinVar:

ClinVar aggregate classification (germline): Uncertain significance (1 of 4 stars; one submission).

Submission:

GeneDx
Classification: Uncertain significance. Last evaluated: 2026-01-22. Review status: criteria provided, single submitter. Criteria: GeneDx Variant Classification Process June 2021. Collection method: clinical testing. Allele origin: germline.
Comment: Not observed at significant frequency in large population cohorts (gnomAD); In silico analysis suggests that this missense variant does not alter protein structure/function; Has not been previously published as pathogenic or benign to our knowledge

NM_013275.6(ANKRD11):c.3054A>C (p.Glu1018Asp)

Gene: ANKRD11 (ankyrin repeat domain 11; minus strand). Cytogenetic location: 16q24.3.
Variant type: single nucleotide variant.
Coding change: c.3054A>C on transcript NM_013275.6 (MANE Select); coding-DNA position 3054, A replaced by C.
Protein change: p.Glu1018Asp; replaces glutamic acid 1018 with aspartic acid.
Molecular consequence: missense variant.
Genome position (GRCh38, 1-based): chr16:89,283,488, T>G on the plus strand (A>C on the coding strand, the complement: ANKRD11 is on the minus strand). VCF-style: chr16-89283488-T-G. GRCh37 (hg19) VCF-style: chr16-89349896-T-G.
Other names: c.3054A>C, p.Glu1018Asp (NM_001256182.2, NM_001256183.2); short protein forms E1018D.
Identifiers: ClinVar variation 4975295 (VCV004975295.1).